The following is an entry in ClinVar:

NM_015215.4(CAMTA1):c.4022G>T (p.Gly1341Val)

Genes: CAMTA1 (calmodulin binding transcription activator 1; plus strand), LOC126805603 (CDK7 strongly-dependent group 2 enhancer GRCh37_chr1:7798026-7799225; plus strand). Cytogenetic location: 1p36.23.
Variant type: single nucleotide variant.
Coding change: c.4022G>T on transcript NM_015215.4 (MANE Select); coding-DNA position 4022, G replaced by T.
Protein change: p.Gly1341Val; replaces glycine 1341 with valine.
Molecular consequence: missense variant.
Genome position (GRCh38, 1-based): chr1:7,738,322, G>T. VCF-style: chr1-7738322-G-T. GRCh37 (hg19) VCF-style: chr1-7798382-G-T.
Other names: c.3932G>T, p.Gly1311Val (NM_001349608.2); c.3683G>T, p.Gly1228Val (NM_001349609.2, NM_001349610.2, NM_001410737.1); c.3593G>T, p.Gly1198Val (NM_001349612.2); c.1151G>T, p.Gly384Val (NM_001349613.1); c.1094G>T, p.Gly365Val (NM_001349614.1, NM_001349615.2, NM_001349616.2 and 2 more transcripts); c.755G>T, p.Gly252Val (NM_001349619.2, NM_001349620.1, NM_001349621.1 and 5 more transcripts); c.3611G>T, p.Gly1204Val (NM_001410738.1); short protein forms G1198V, G1204V, G1228V, G1311V, G1341V, G252V, G365V, G384V.
Identifiers: ClinVar variation 4975820 (VCV004975820.1).

ClinVar aggregate classification (germline): Uncertain significance (1 of 4 stars; one submission).

Submission:

GeneDx
Classification: Uncertain significance. Last evaluated: 2026-01-28. Review status: criteria provided, single submitter. Criteria: GeneDx Variant Classification Process June 2021. Collection method: clinical testing. Allele origin: germline.
Comment: Not observed at significant frequency in large population cohorts (gnomAD); In silico analysis supports that this missense variant has a deleterious effect on protein structure/function; Has not been previously published as pathogenic or benign to our knowledge